The following is an entry in ClinVar:

ClinVar aggregate classification (germline): Pathogenic/Likely pathogenic. Review status: criteria provided, multiple submitters, no conflicts (2 of 4 stars). 14 submissions from 13 submitters: Pathogenic (5); Likely pathogenic (5). 4 of the submissions do not count toward it. Last evaluated 2026-10-22.

Conditions:
Macular dystrophy. Identifiers: MedGen C0730292, HP:0007754.
PRPH2-related disorder. Also called: PRPH2-related condition; PRPH2-related disorders. Identifiers: MedGen CN239395.
Choroidal dystrophy, central areolar 2 (CACD2). Also called: MACULAR DYSTROPHY, PROGRESSIVE; Choriodal Dystrophy, Central Areolar 2. Identifiers: Orphanet 75377, MedGen C2751290, MONDO:0013137, OMIM 613105.
Pigmentary retinal dystrophy. Also called: Fundus albipunctatus. Identifiers: Orphanet 227796, Orphanet 52427, MedGen C0311338, MONDO:0007639, OMIM 136880, HP:0030642.
Inherited neurodegenerative disorder. Identifiers: Orphanet 183500, MedGen C5680568, MONDO:0024237.
Retinal dystrophy. Also called: Inherited retinal dystrophy. Identifiers: Orphanet 71862, MedGen C0854723, MeSH D058499, MONDO:0019118, HP:0000556.
Patterned macular dystrophy 1. Also called: BUTTERFLY DYSTROPHY OF RETINAL PIGMENT EPITHELIUM; MACULAR DYSTROPHY, BUTTERFLY-SHAPED PIGMENTARY. Identifiers: Orphanet 99001, MedGen C4551999, MONDO:0008210, OMIM 169150.
Stargardt disease (FFM). Also called: Stargardt's disease; Fundus flavimaculatus. Identifiers: Orphanet 827, MedGen C0271093, MONDO:0019353.

Allele frequency attached by ClinVar (database versions not stated): gnomAD exomes 0.00005 and 0.00009; ESP Exome Variant Server 0.00008; TOPMed 0.00008; ExAC 0.00003; gnomAD 0.00010.
gnomAD v4.1: 139 of 1,614,058 alleles (0.0086%); highest among the groups gnomAD compares: Non-Finnish European, 0.012%; no homozygotes.

Submissions 1 to 9 of 14:

GeneDx
Classification: Likely pathogenic. Last evaluated: 2026-10-22. Review status: criteria provided, single submitter. Criteria: GeneDx Variant Classification Process June 2021. Collection method: clinical testing. Allele origin: germline.
Comment: Identified as a single heterozygous variant, a homozygous variant, or with a second variant in multiple unrelated patients from different ethnic backgrounds with various retinal dystrophies referred for genetic testing at GeneDx and in published literature (PMID: 9279751, 17653047, 21071739, 25447119, 28041643, 30726412, 32581362, 32531858, 33369172, 34411390, 36819107, 36563963, 38219857, 38474159, 40725586, 36609934, 41212986); In silico analysis supports that this missense variant has a deleterious effect on protein structure/function; This variant is associated with the following publications: (PMID: 30726412, 12042139, 25447119, 9279751, 30718709, 17653047, 21071739, 29555955, 28041643, 32581362, 32531846, 31589614, 33369172, 34327195, 31429209, 34411390, 32531858, 32037395, 36010202, 36563963, 36819107, 38743414, 40725586, 38219857, 36609934, 41212986, 38540785, 38474159)

PreventionGenetics, part of Exact Sciences
Classification: Likely pathogenic for PRPH2-related condition. Last evaluated: 2026-03-12. Review status: criteria provided, single submitter. Criteria: ACMG Guidelines, 2015. Collection method: clinical testing. Allele origin: germline.
Comment: The PRPH2 c.623G>A variant is predicted to result in the amino acid substitution p.Gly208Asp. This variant has been reported many times in individuals with autosomal dominant retinal disease, and in some cases was found to segregate with disease in kindreds (see for examples: pedigree Bu, Kohl et al. 1997. PubMed ID: 9279751; Manes et al. 2014. PubMed ID: 25447119; Table S1, Birtel et al. 2018. PubMed ID: 29555955; Supplemental Table, Holtan et al. 2019. PubMed ID: 31429209; Table S2, Zampaglione et al. 2020. PubMed ID: 32037395; Table S1, Weisschuh et al. 2020. PubMed ID: 32531858; Table S1, Lin et al. 2024. PubMed ID: 38219857). Note, however, that this variant is reported in 0.012% of alleles in individuals of European (Non-Finnish) descent in gnomAD; in the gnomAD v4.0 database, this variant was detected on 139 alleles, which would be high for a pathogenic variant. Authors of one study speculated that this variant could demonstrate incomplete penetrance or an older age at onset (Jeffery et al. 2024. PubMed ID: 38743414). Taken together, this variant is interpreted as likely pathogenic.

Labcorp Genetics (formerly Invitae), Labcorp
Classification: Pathogenic for PRPH2-related disorder. Last evaluated: 2025-12-25. Review status: criteria provided, single submitter. Criteria: Invitae Variant Classification Sherloc (09022015). Collection method: clinical testing. Allele origin: germline.
Comment: This sequence change replaces glycine, which is neutral and non-polar, with aspartic acid, which is acidic and polar, at codon 208 of the PRPH2 protein (p.Gly208Asp). This variant is present in population databases (rs139185976, gnomAD 0.01%). This missense change has been observed in individuals with autosomal dominant retinal disease (PMID: 9279751, 12042139, 21071739, 25447119, 29555955). It has also been observed to segregate with disease in related individuals. ClinVar contains an entry for this variant (Variation ID: 437965). Invitae Evidence Modeling of protein sequence and biophysical properties (such as structural, functional, and spatial information, amino acid conservation, physicochemical variation, residue mobility, and thermodynamic stability) indicates that this missense variant is expected to disrupt PRPH2 protein function with a positive predictive value of 95%. For these reasons, this variant has been classified as Pathogenic.

3billion
Classification: Likely pathogenic for Choroidal dystrophy, central areolar 2. Last evaluated: 2025-05-13. Review status: criteria provided, single submitter. Criteria: ACMG Guidelines, 2015. Collection method: clinical testing. Allele origin: germline. Affected: yes.
Comment: The variant is observed at an allele frequency greater than expected for the associated disorder in the gnomAD v4.1.0 dataset and therefore considered benign. Predicted Consequence/Location: The variant is located in a mutational hot spot and/or well-established functional domain in which established pathogenic variants have been reported (PMID: 38474159). In silico tool predictions suggest damaging effect of the variant on gene or gene product [REVEL: 0.71 (>=0.6, sensitivity 0.68 and specificity 0.92)]. The same nucleotide change resulting in the same amino acid change has been previously reported as pathogenic/likely pathogenic with strong evidence (ClinVar ID: VCV000437965 /PMID: 9279751). Different missense changes at the same codon (p.Gly208Cys, p.Gly208Ser) have been reported as pathogenic/likely pathogenic with strong evidence (ClinVar ID: VCV000861377, VCV001047802). Therefore, this variant is classified as Likely pathogenic according to the recommendation of ACMG/AMP guideline.

Victorian Clinical Genetics Services, Murdoch Childrens Research Institute
Classification: Pathogenic for Choroidal dystrophy, central areolar 2. Last evaluated: 2024-10-09. Review status: criteria provided, single submitter. Criteria: ACMG Guidelines, 2015. Collection method: clinical testing. Allele origin: germline. Inheritance: Autosomal dominant inheritance. Affected: yes.
Comment: Based on the classification scheme VCGS_Germline_v1.3.4, this variant is classified as Pathogenic. Following criteria are met: 0103 - Loss of function is an established mechanism of disease in this gene and is associated with missense and protein truncating variants. Dominant negative and gain of function are suspected mechanisms for some missense variants (PMID: 31914632). (I) 0108 - This gene is associated with both recessive and dominant disease; however, there is no clear genotype-phenotype correlation (OMIM; PMID: 31914632). (I) 0112 - The condition associated with this gene has incomplete penetrance. Incomplete penetrance has been observed in individuals with autosomal dominant disease (PMID: 36609934). (I) 0115 - Variants in this gene are known to have variable expressivity. Intrafamilial variation has been observed (PMID: 37047703). (I) 0200 - Variant is predicted to result in a missense amino acid change from glycine to aspartic acid. (I) 0251 - This variant is heterozygous. (I) 0304 - Variant is present in gnomAD (v2) <0.01 (15 heterozygotes, 0 homozygotes). (SP) 0309 - Multiple alternative amino acid changes at the same position have been observed in gnomAD (v2) (highest allele count: 2 heterozygotes, 0 homozygotes). (I) 0502 - Missense variant with conflicting in silico predictions and uninformative conservation. (I) 0600 - Variant is located in the annotated tetraspanin family domain (DECIPHER). (I) 0801 - This variant has strong previous evidence of pathogenicity in unrelated individuals. This variant has been classified as pathogenic or likely pathogenic by multiple clinical laboratories in ClinVar, as well as one VUS entry. This variant has also been observed in multiple unrelated heterozygous and homozygous individuals with PRPH2-related eye disease (PMID: 34411390; 32531846; 36609934, 30726412). (SP) 1208 - Inheritance information for this variant is not currently available in this individual. (I) Legend: (SP) - Supporting pathogenic, (I) - Information, (SB) - Supporting benign

Blueprint Genetics
Classification: Pathogenic for PRPH2-related disorders. Last evaluated: 2023-10-09. Review status: criteria provided, single submitter. Criteria: ACMG Guidelines, 2015. Collection method: clinical testing. Allele origin: germline. Affected: yes. Observed: 5 variant alleles.

Institute of Human Genetics, Univ. Regensburg, Univ. Regensburg
Classification: Likely pathogenic for Retinal dystrophy. Last evaluated: 2023-01-01. Review status: criteria provided, single submitter. Criteria: ACMG Guidelines, 2015. Collection method: clinical testing. Allele origin: germline. Affected: yes.

Mendelics
Classification: Pathogenic for Pigmentary retinal dystrophy. Last evaluated: 2022-05-04. Review status: criteria provided, single submitter. Criteria: Mendelics Assertion Criteria 2019. Collection method: clinical testing. Allele origin: germline.

AURAGEN, Plan France Médecine Génomique
Classification: Pathogenic for Inherited neurodegenerative disorder. Last evaluated: 2022-02-07. Review status: criteria provided, single submitter. Criteria: PFMG2025 (Lancet Reg Health Eur. 2025). Collection method: clinical testing. Allele origin: germline. Affected: yes.

NM_000322.5(PRPH2):c.623G>A (p.Gly208Asp)

Gene: PRPH2 (peripherin 2; minus strand). Cytogenetic location: 6p21.1.
Variant type: single nucleotide variant.
Coding change: c.623G>A on transcript NM_000322.5 (MANE Select); coding-DNA position 623, G replaced by A.
Protein change: p.Gly208Asp; replaces glycine 208 with aspartic acid.
Molecular consequence: missense variant.
Genome position (GRCh38, 1-based): chr6:42,704,570, C>T on the plus strand (G>A on the coding strand, the complement: PRPH2 is on the minus strand). VCF-style: chr6-42704570-C-T. GRCh37 (hg19) VCF-style: chr6-42672308-C-T.
Other names: short protein forms G208D.
Identifiers: ClinVar variation 437965 (VCV000437965.27), dbSNP rs139185976, ClinGen allele CA3808568.